The following is an entry in ClinVar:

NM_001079802.2(FKTN):c.841C>G (p.Leu281Val)

Gene: FKTN (fukutin; plus strand). Cytogenetic location: 9q31.2.
Variant type: single nucleotide variant.
Coding change: c.841C>G on transcript NM_001079802.2 (MANE Select); coding-DNA position 841, C replaced by G.
Protein change: p.Leu281Val; replaces leucine 281 with valine.
Molecular consequence: missense variant. On other transcripts: non-coding transcript variant (1).
Genome position (GRCh38, 1-based): chr9:105,615,338, C>G. VCF-style: chr9-105615338-C-G. GRCh37 (hg19) VCF-style: chr9-108377619-C-G.
Other names: c.841C>G, p.Leu281Val (NM_001198963.2, NM_001351496.2, NM_001351498.2 and 1 more transcripts); c.772C>G, p.Leu258Val (NM_001351497.2); c.445C>G, p.Leu149Val (NM_001351499.2, NM_001351500.2, NM_001351501.2 and 1 more transcripts); c.841C>G (NM_001079802.1); short protein forms L149V, L258V, L281V.
Identifiers: ClinVar variation 1026476 (VCV001026476.7), dbSNP rs199697041, ClinGen allele CA5170504.

ClinVar aggregate classification (germline): Uncertain significance. Review status: criteria provided, multiple submitters, no conflicts (2 of 4 stars). 2 submissions from 2 submitters: Uncertain significance (2). Last evaluated 2023-03-26.

Conditions:
Cardiovascular phenotype. Identifiers: MedGen CN230736.
Walker-Warburg congenital muscular dystrophy. Also called: Muscular dystrophy-dystroglycanopathy, type A; Walker-Warburg syndrome. Identifiers: Orphanet 899, MedGen C0265221, MONDO:0000171.

Allele frequency attached by ClinVar (database versions not stated): 1000 Genomes Project 30x 0.00016.
gnomAD v4.1: 10 of 1,613,538 alleles (0.00062%); highest among the groups gnomAD compares: East Asian, 0.022%; no homozygotes.

Submissions (2):

Ambry Genetics
Classification: Uncertain significance for Cardiovascular phenotype. Last evaluated: 2023-03-26. Review status: criteria provided, single submitter. Criteria: Ambry Variant Classification Scheme 2023. Collection method: clinical testing. Allele origin: germline.
Comment: The p.L281V variant (also known as c.841C>G), located in coding exon 6 of the FKTN gene, results from a C to G substitution at nucleotide position 841. The leucine at codon 281 is replaced by valine, an amino acid with highly similar properties. This amino acid position is conserved. In addition, this alteration is predicted to be deleterious by in silico analysis. Since supporting evidence is limited at this time, the clinical significance of this alteration remains unclear.

Labcorp Genetics (formerly Invitae), Labcorp
Classification: Uncertain significance for Walker-Warburg congenital muscular dystrophy. Last evaluated: 2021-08-26. Review status: criteria provided, single submitter. Criteria: Invitae Variant Classification Sherloc (09022015). Collection method: clinical testing. Allele origin: germline.
Comment: This sequence change replaces leucine with valine at codon 281 of the FKTN protein (p.Leu281Val). The leucine residue is highly conserved and there is a small physicochemical difference between leucine and valine. This variant is present in population databases (rs199697041, ExAC 0.01%). This variant has not been reported in the literature in individuals affected with FKTN-related conditions. Algorithms developed to predict the effect of missense changes on protein structure and function are either unavailable or do not agree on the potential impact of this missense change (SIFT: "Tolerated"; PolyPhen-2: "Possibly Damaging"; Align-GVGD: "Class C0"). In summary, the available evidence is currently insufficient to determine the role of this variant in disease. Therefore, it has been classified as a Variant of Uncertain Significance.